The following is an entry in ClinVar:

ClinVar aggregate classification (germline): Pathogenic (1 of 4 stars; one submission).

Conditions:
Inborn genetic diseases. Identifiers: MedGen C0950123, MeSH D030342.

Submission:

Ambry Genetics
Classification: Pathogenic for Inborn genetic diseases. Last evaluated: 2025-05-27. Review status: criteria provided, single submitter. Criteria: Ambry Variant Classification Scheme 2023. Collection method: clinical testing. Allele origin: germline.
Comment: The c.418C>T (p.R140C) alteration is located in exon 3 (coding exon 3) of the KAT8 gene. This alteration results from a C to T substitution at nucleotide position 418, causing the arginine (R) at amino acid position 140 to be replaced by a cysteine (C). This variant was not reported in population-based cohorts in the Genome Aggregation Database (gnomAD). This variant was determined to be de novo in at least one individual with features consistent with KAT8-related neurodevelopmental disorder (Ambry internal data). This amino acid position is highly conserved in available vertebrate species. This missense alteration is located in a region that has a low rate of benign missense variation (Lek, 2016; Firth, 2009). The in silico prediction for this alteration is inconclusive. Based on the available evidence, this alteration is classified as pathogenic.

NM_032188.3(KAT8):c.418C>T (p.Arg140Cys)

Gene: KAT8 (lysine acetyltransferase 8; plus strand). Cytogenetic location: 16p11.2.
Variant type: single nucleotide variant.
Coding change: c.418C>T on transcript NM_032188.3 (MANE Select); coding-DNA position 418, C replaced by T.
Protein change: p.Arg140Cys; replaces arginine 140 with cysteine.
Molecular consequence: missense variant.
Genome position (GRCh38, 1-based): chr16:31,120,470, C>T. VCF-style: chr16-31120470-C-T. GRCh37 (hg19) VCF-style: chr16-31131791-C-T.
Other names: c.418C>T, p.Arg140Cys (NM_182958.4); short protein forms R140C.
Identifiers: ClinVar variation 2217472 (VCV002217472.3), dbSNP rs2544163778, ClinGen allele CA395669315.
Genomic context (GRCh38, chr16:31,120,470, plus strand): 5'-CAGAAGAACTCAGAGAAGTACCTGAGCGAGCTCGCAGAGCAGCCTGAGCGCAAGATCACT[C>T]GCAACCAAAAGCGCAAGCATGATGAGATCAACCATGTGCAGAAGGTCCGGATCCCTTCCC-3'
Protein context (NP_115564.2, residues 130-150): LAEQPERKIT[Arg140Cys]NQKRKHDEIN